The following is an entry in ClinVar:

NM_000051.4(ATM):c.901+1_901+26del

Gene: ATM (ATM serine/threonine kinase; plus strand). Cytogenetic location: 11q22.3.
Variant type: Deletion.
Coding change: c.901+1_901+26del on transcript NM_000051.4 (MANE Select); the canonical splice donor site of the intron after coding-DNA position 901 through 26 bases into the intron after coding-DNA position 901, 26 bases deleted (GTATAAAGGAAATGTTTACTGTTTTG).
Molecular consequence: splice donor variant.
Genome position (GRCh38, 1-based): chr11:108,245,027-108,245,052, GTATAAAGGAAATGTTTACTGTTTTG deleted; deleting any 26 consecutive bases within chr11:108,245,026-108,245,052 gives the same sequence; the c. name uses the placement nearest the transcript's 3' end. VCF-style (leftmost placement, unchanged base first): chr11-108245025-AGGTATAAAGGAAATGTTTACTGTTTT-A. GRCh37 (hg19) VCF-style: chr11-108115752-AGGTATAAAGGAAATGTTTACTGTTTT-A.
Other names: c.901+1_901+26delGTATAAAGGAAATGTTTACTGTTTTG (NM_000051.3); c.901+1_901+26del (NM_001351834.2).
Identifiers: ClinVar variation 640049 (VCV000640049.9), dbSNP rs1380265721, ClinGen allele CA671369936.

ClinVar aggregate classification (germline): Likely pathogenic. Review status: criteria provided, multiple submitters, no conflicts (2 of 4 stars). 3 submissions from 3 submitters: Likely pathogenic (3). Last evaluated 2024-01-11.

Conditions:
Hereditary cancer-predisposing syndrome. Also called: Neoplastic Syndromes, Hereditary; Hereditary Cancer Syndrome; Hereditary neoplastic syndrome; Tumor predisposition. Identifiers: Orphanet 140162, MedGen C0027672, MeSH D009386, MONDO:0015356.
Ataxia-telangiectasia syndrome (AT). Also called: LOUIS-BAR SYNDROME; Ataxia-telangiectasia, complementation group E; Ataxia-telangiectasia, complementation group D; AT, COMPLEMENTATION GROUP C; Ataxia telangiectasia (A-T); Cerebello-oculocutaneous telangiectasia. Identifiers: Orphanet 100, MedGen C0004135, MONDO:0008840, OMIM 208900.
Familial cancer of breast. Also called: hereditary breast carcinoma; BREAST CANCER, FAMILIAL; Hereditary breast cancer. Identifiers: Orphanet 227535, MedGen C0346153, MONDO:0016419, OMIM 114480. Disease mechanism: loss of function.

Submissions (3):

Myriad Genetics, Inc.
Classification: Likely pathogenic for Familial cancer of breast. Last evaluated: 2024-01-11. Review status: criteria provided, single submitter. Criteria: Myriad Autosomal Dominant, Autosomal Recessive and X-Linked Classification Criteria (2023). Collection method: clinical testing. Allele origin: unknown.
Comment: This variant is considered likely pathogenic. This variant occurs within a consensus splice junction and is predicted to result in abnormal mRNA splicing of either an out-of-frame exon or an in-frame exon necessary for protein stability and/or normal function.

Color Diagnostics, LLC DBA Color Health
Classification: Likely pathogenic for Hereditary cancer-predisposing syndrome. Last evaluated: 2022-05-16. Review status: criteria provided, single submitter. Criteria: ACMG Guidelines, 2015. Collection method: clinical testing. Allele origin: germline.
Comment: This variant causes the deletion of 26 nucleotides in intron 7 of the ATM gene. Splice site prediction tools predict that this variant may have a significant impact on RNA splicing. Although this prediction has not been confirmed in published RNA studies, this variant is expected to result in an absent or disrupted protein product. This variant has not been reported in individuals affected with hereditary cancer in the literature. This variant has not been identified in the general population by the Genome Aggregation Database (gnomAD). Loss of ATM function is a known mechanism of disease. Based on the available evidence, this variant is classified as Likely Pathogenic.

Labcorp Genetics (formerly Invitae), Labcorp
Classification: Likely pathogenic for Ataxia-telangiectasia syndrome. Last evaluated: 2018-08-07. Review status: criteria provided, single submitter. Criteria: Invitae Variant Classification Sherloc (09022015). Collection method: clinical testing. Allele origin: germline.
Comment: This variant is not present in population databases (ExAC no frequency). This variant has not been reported in the literature in individuals with ATM-related disease. Algorithms developed to predict the effect of sequence changes on RNA splicing suggest that this variant may disrupt the consensus splice site, but this prediction has not been confirmed by published transcriptional studies. Donor and acceptor splice site variants typically lead to a loss of protein function (PMID: 16199547), and loss-of-function variants in ATM are known to be pathogenic (PMID: 23807571, 25614872). In summary, the currently available evidence indicates that the variant is pathogenic, but additional data are needed to prove that conclusively. Therefore, this variant has been classified as Likely Pathogenic. This sequence change affects a donor splice site in intron 7 of the ATM gene. It is expected to disrupt RNA splicing and likely results in an absent or disrupted protein product.

Literature cited by the submitters: PubMed 16199547 (cited by Labcorp Genetics (formerly Invitae), Labcorp); PubMed 23807571 (cited by Labcorp Genetics (formerly Invitae), Labcorp); PubMed 25614872 (cited by Labcorp Genetics (formerly Invitae), Labcorp).